The following is an entry in ClinVar:

NM_199334.5(THRA):c.871G>A (p.Gly291Ser)

Gene: THRA (thyroid hormone receptor alpha; plus strand). Cytogenetic location: 17q21.1.
Variant type: single nucleotide variant.
Coding change: c.871G>A on transcript NM_199334.5 (MANE Select); coding-DNA position 871, G replaced by A.
Protein change: p.Gly291Ser; replaces glycine 291 with serine.
Molecular consequence: missense variant.
Genome position (GRCh38, 1-based): chr17:40,088,389, G>A. VCF-style: chr17-40088389-G-A. GRCh37 (hg19) VCF-style: chr17-38244642-G-A.
Other names: c.871G>A, p.Gly291Ser (NM_001190918.2, NM_001190919.2, NM_003250.6); short protein forms G291S.
Identifiers: ClinVar variation 1186100 (VCV001186100.6), dbSNP rs2145085179, ClinGen allele CA399275450.

ClinVar aggregate classification (germline): Pathogenic/Likely pathogenic. Review status: criteria provided, multiple submitters, no conflicts (2 of 4 stars). 3 submissions from 3 submitters: Pathogenic (2); Likely pathogenic (1). Last evaluated 2026-09-08.

Conditions:
THRA-related disorder. Also called: THRA-related condition.
Congenital nongoitrous hypothyroidism 6. Also called: Congenital nongoitrous hypothryoidism 6. Identifiers: Orphanet 97927, MedGen C3280817, MONDO:0013757, OMIM 614450.

Submissions (3):

GeneDx
Classification: Pathogenic. Last evaluated: 2026-09-08. Review status: criteria provided, single submitter. Criteria: GeneDx Variant Classification Process June 2021. Collection method: clinical testing. Allele origin: germline.
Comment: Not observed at significant frequency in large population cohorts (gnomAD); In silico analysis supports that this missense variant has a deleterious effect on protein structure/function; This variant is associated with the following publications: (PMID: 33628462, 30747412, 38744258, 34276565, Marelli2023[Abstract])

Variantyx, Inc.
Classification: Pathogenic for Congenital nongoitrous hypothyroidism 6. Last evaluated: 2025-10-26. Review status: criteria provided, single submitter. Criteria: Variantyx Assertion Criteria 2022. Collection method: clinical testing. Allele origin: de novo. Inheritance: Autosomal dominant inheritance. Affected: yes.
Comment: This is a nonsynonymous variant in the THRA gene (OMIM: 190120). Pathogenic variants in this gene have been associated with autosomal dominant nongoitrous congenital hypothyroidism 6. Multiple computational algorithms predict a deleterious effect for this variant (REVEL score: 0.908) (PP3), and the variant is absent from control populations (PM2). Based on the current evidence, this variant is classified as pathogenic for autosomal dominant nongoitrous congenital hypothyroidism 6.

Blueprint Genetics
Classification: Likely pathogenic for THRA-related disorders. Last evaluated: 2019-01-22. Review status: criteria provided, single submitter. Criteria: ACMG Guidelines, 2015. Collection method: clinical testing. Allele origin: de novo. Affected: yes. Observed: 1 variant allele.

Literature cited by the submitters: PubMed 30747412 (cited by Variantyx, Inc.); PubMed 33628462 (cited by Variantyx, Inc.).